The following is an entry in ClinVar:

ClinVar aggregate classification (germline): Uncertain significance. Review status: criteria provided, multiple submitters, no conflicts (2 of 4 stars). 4 submissions from 4 submitters: Uncertain significance (4). Last evaluated 2026-10-23.

Conditions:
SCN10A-related disorder. Also called: SCN10A-related condition.
Brugada syndrome. Also called: Sudden unexplained nocturnal death syndrome; Sudden unexpected nocturnal death syndrome; Sudden Unexplained Death Syndrome; Sudden Unexplained Nocturnal Death Syndrome (SUNDS). Identifiers: Orphanet 130, MedGen C1142166, MONDO:0015263.
Cardiovascular phenotype. Identifiers: MedGen CN230736.

Allele frequency attached by ClinVar (database versions not stated): TOPMed 0.00002; gnomAD exomes 0.00005 and 0.00004; gnomAD 0.00004; ExAC 0.00004.
gnomAD v4.1: 85 of 1,614,070 alleles (0.0053%); highest among the groups gnomAD compares: Non-Finnish European, 0.0069%; no homozygotes.

Submissions (4):

GeneDx
Classification: Uncertain significance. Last evaluated: 2026-10-23. Review status: criteria provided, single submitter. Criteria: GeneDx Variant Classification Process June 2021. Collection method: clinical testing. Allele origin: germline.
Comment: In silico analysis suggests that this missense variant does not alter protein structure/function; This variant is associated with the following publications: (PMID: 28407228, 25053638)

PreventionGenetics, part of Exact Sciences
Classification: Uncertain significance for SCN10A-related condition. Last evaluated: 2026-07-13. Review status: criteria provided, single submitter. Criteria: ACMG Guidelines, 2015. Collection method: clinical testing. Allele origin: germline.
Comment: The SCN10A c.2156T>C variant is predicted to result in the amino acid substitution p.Phe719Ser. This variant has been reported in an individual with persistent atrial fibrillation (Savio-Galimberti et al. 2014. PubMed ID: 25053638). This variant is reported in 0.0085% of alleles in individuals of European (Non-Finnish) descent in gnomAD. At this time, the clinical significance of this variant is uncertain due to the absence of conclusive functional and genetic evidence.

Labcorp Genetics (formerly Invitae), Labcorp
Classification: Uncertain significance for Brugada syndrome. Last evaluated: 2025-12-20. Review status: criteria provided, single submitter. Criteria: Invitae Variant Classification Sherloc (09022015). Collection method: clinical testing. Allele origin: germline.
Comment: This sequence change replaces phenylalanine, which is neutral and non-polar, with serine, which is neutral and polar, at codon 719 of the SCN10A protein (p.Phe719Ser). This variant is present in population databases (rs758843257, gnomAD 0.009%). This missense change has been observed in individual(s) with persistent atrial fibrillation (PMID: 25053638, 28407228). ClinVar contains an entry for this variant (Variation ID: 859609). Invitae Evidence Modeling of protein sequence and biophysical properties (such as structural, functional, and spatial information, amino acid conservation, physicochemical variation, residue mobility, and thermodynamic stability) indicates that this missense variant is expected to disrupt SCN10A protein function with a positive predictive value of 80%. In summary, the available evidence is currently insufficient to determine the role of this variant in disease. Therefore, it has been classified as a Variant of Uncertain Significance.

Ambry Genetics
Classification: Uncertain significance for Cardiovascular phenotype. Last evaluated: 2024-11-10. Review status: criteria provided, single submitter. Criteria: Ambry Variant Classification Scheme 2023. Collection method: clinical testing. Allele origin: germline.

Literature cited by the submitters: PubMed 25053638 (cited by Labcorp Genetics (formerly Invitae), Labcorp); PubMed 28407228 (cited by Labcorp Genetics (formerly Invitae), Labcorp).

NM_006514.4(SCN10A):c.2156T>C (p.Phe719Ser)

Gene: SCN10A (sodium voltage-gated channel alpha subunit 10; minus strand). Cytogenetic location: 3p22.2.
Variant type: single nucleotide variant.
Coding change: c.2156T>C on transcript NM_006514.4 (MANE Select); coding-DNA position 2156, T replaced by C.
Protein change: p.Phe719Ser; replaces phenylalanine 719 with serine.
Molecular consequence: missense variant.
Genome position (GRCh38, 1-based): chr3:38,739,639, A>G on the plus strand (T>C on the coding strand, the complement: SCN10A is on the minus strand). VCF-style: chr3-38739639-A-G. GRCh37 (hg19) VCF-style: chr3-38781130-A-G.
Other names: c.2156T>C, p.Phe719Ser (NM_001293306.2); c.1862T>C, p.Phe621Ser (NM_001293307.2); c.2156T>C (NM_006514.2); short protein forms F621S, F719S.
Identifiers: ClinVar variation 859609 (VCV000859609.14), dbSNP rs758843257, ClinGen allele CA2320621.